The following is an entry in ClinVar:

ClinVar aggregate classification (germline): Conflicting classifications of pathogenicity. Review status: criteria provided, conflicting classifications (1 of 4 stars). 4 submissions from 4 submitters: Uncertain significance (2); Likely benign (2). Last evaluated 2024-07-03.

Conditions:
Cardiovascular phenotype. Identifiers: MedGen CN230736.
Congenital contractural arachnodactyly (CCA). Also called: BEALS SYNDROME; Beals-Hecht syndrome; Arthrogryposis, distal, type 9. Identifiers: Orphanet 115, MedGen C0220668, MONDO:0007363, OMIM 121050.

Allele frequency attached by ClinVar (database versions not stated): ExAC 0.00002; gnomAD exomes 0.00002; gnomAD 0.00004; TOPMed 0.00008; 1000 Genomes Project 0.00020; 1000 Genomes Project 30x 0.00031.
gnomAD v4.1: 29 of 1,614,036 alleles (0.0018%); highest among the groups gnomAD compares: African/African-American, 0.013%; no homozygotes.

Submissions (4):

Labcorp Genetics (formerly Invitae), Labcorp
Classification: Uncertain significance for Congenital contractural arachnodactyly. Last evaluated: 2024-07-03. Review status: criteria provided, single submitter. Criteria: Invitae Variant Classification Sherloc (09022015). Collection method: clinical testing. Allele origin: germline.
Comment: This sequence change affects codon 1114 of the FBN2 mRNA. It is a 'silent' change, meaning that it does not change the encoded amino acid sequence of the FBN2 protein. It affects a nucleotide within the consensus splice site. This variant is present in population databases (rs532983875, gnomAD 0.008%). This variant has not been reported in the literature in individuals affected with FBN2-related conditions. ClinVar contains an entry for this variant (Variation ID: 263840). Algorithms developed to predict the effect of sequence changes on RNA splicing suggest that this variant is not likely to affect RNA splicing. In summary, the available evidence is currently insufficient to determine the role of this variant in disease. Therefore, it has been classified as a Variant of Uncertain Significance.

Women's Health and Genetics/Laboratory Corporation of America, LabCorp
Classification: Uncertain significance. Last evaluated: 2023-08-10. Review status: criteria provided, single submitter. Criteria: LabCorp Variant Classification Summary - May 2015. Collection method: clinical testing. Allele origin: germline.

GeneDx
Classification: Likely benign. Last evaluated: 2020-10-08. Review status: criteria provided, single submitter. Criteria: GeneDx Variant Classification Process June 2021. Collection method: clinical testing. Allele origin: germline. Affected: yes.

Ambry Genetics
Classification: Likely benign for Cardiovascular phenotype. Last evaluated: 2014-05-05. Review status: criteria provided, single submitter. Criteria: Ambry Autosomal Dominant and X-Linked criteria (10/2015). Collection method: clinical testing. Allele origin: germline. Observed: 1 variant allele.

NM_001999.4(FBN2):c.3342G>A (p.Thr1114=)

Gene: FBN2 (fibrillin 2; minus strand). Cytogenetic location: 5q23.3.
Variant type: single nucleotide variant.
Coding change: c.3342G>A on transcript NM_001999.4 (MANE Select); coding-DNA position 3342, G replaced by A.
Protein change: p.Thr1114=; no amino-acid change (threonine 1114 retained).
Molecular consequence: synonymous variant.
Genome position (GRCh38, 1-based): chr5:128,344,386, C>T on the plus strand (G>A on the coding strand, the complement: FBN2 is on the minus strand). VCF-style: chr5-128344386-C-T. GRCh37 (hg19) VCF-style: chr5-127680078-C-T.
Identifiers: ClinVar variation 263840 (VCV000263840.11), dbSNP rs532983875, ClinGen allele CA3395268.